The following is an entry in ClinVar:

NM_000551.4(VHL):c.463+3A>C

Genes: VHL (von Hippel-Lindau tumor suppressor; plus strand), LOC107303340 (3p25 von Hippel-Lindau tumor suppressor, E3 ubiquitin protein ligase Alu-mediated recombination region; plus strand). Cytogenetic location: 3p25.3.
Variant type: single nucleotide variant.
Coding change: c.463+3A>C on transcript NM_000551.4 (MANE Select); 3 bases into the intron after coding-DNA position 463, A replaced by C.
Molecular consequence: intron variant.
Genome position (GRCh38, 1-based): chr3:10,146,639, A>C. VCF-style: chr3-10146639-A-C. GRCh37 (hg19) VCF-style: chr3-10188323-A-C.
Other names: c.*18-3148A>C (NM_001354723.2); c.341-3148A>C (NM_198156.3).
Identifiers: ClinVar variation 1495217 (VCV001495217.11), dbSNP rs1131690954, ClinGen allele CA645525016.

ClinVar aggregate classification (germline): Conflicting classifications of pathogenicity. Review status: criteria provided, conflicting classifications (1 of 4 stars). 2 submissions from 2 submitters: Likely pathogenic (1); Uncertain significance (1). Last evaluated 2022-07-13.

Conditions:
Chuvash polycythemia. Also called: POLYCYTHEMIA, VHL-DEPENDENT. Identifiers: Orphanet 238557, MedGen C1837915, MONDO:0009892, OMIM 263400.
Von Hippel-Lindau syndrome (VHLS). Also called: Von Hippel-Lindau; VHL syndrome; von Hippel–Lindau syndrome. Identifiers: Orphanet 892, MedGen C0019562, MONDO:0008667, OMIM 193300. Disease mechanism: loss of function.
Hereditary cancer-predisposing syndrome. Also called: Tumor predisposition; Hereditary neoplastic syndrome; Neoplastic Syndromes, Hereditary; Hereditary Cancer Syndrome. Identifiers: Orphanet 140162, MedGen C0027672, MeSH D009386, MONDO:0015356.

Submissions (3):

Ambry Genetics
Classification: Likely pathogenic for Hereditary cancer-predisposing syndrome. Last evaluated: 2022-07-13. Review status: criteria provided, single submitter. Criteria: Ambry Variant Classification Scheme 2023. Collection method: clinical testing. Allele origin: germline.
Comment: The c.463+3A>C intronic variant results from an A to C substitution 3 nucleotides after coding exon 2 in the VHL gene. This nucleotide position is highly conserved in available vertebrate species. In silico splice site analysis predicts that this alteration will weaken the native splice donor site and may result in the creation or strengthening of a novel splice donor site. RNA studies have demonstrated that this alteration results in abnormal splicing in the set of samples tested (Ambry internal data). Another alteration impacting the same donor site (c.463+3A>G) has been detected in multiple individuals with VHL syndrome (Boaz RJ et al. Indian J. Endocrinol. Metab. 2011 Oct;15 Suppl 4:S402-5; Ebenazer A et al. Fam. Cancer. 2013 Sep;12(3):519-24; Ambery internal data). This variant is considered to be rare based on population cohorts in the Genome Aggregation Database (gnomAD). Based on the majority of available evidence to date, this variant is likely to be pathogenic.

Labcorp Genetics (formerly Invitae), Labcorp
Classification: Uncertain significance for Von Hippel-Lindau syndrome; Chuvash polycythemia. Last evaluated: 2020-10-29. Review status: criteria provided, single submitter. Criteria: Invitae Variant Classification Sherloc (09022015). Collection method: clinical testing. Allele origin: germline.
Comment: In summary, the available evidence is currently insufficient to determine the role of this variant in disease. Therefore, it has been classified as a Variant of Uncertain Significance. Nucleotide substitutions within the consensus splice site are a relatively common cause of aberrant splicing (PMID: 17576681, 9536098). Algorithms developed to predict the effect of sequence changes on RNA splicing suggest that this variant may disrupt the consensus splice site, but this prediction has not been confirmed by published transcriptional studies. This variant has been observed in individual(s) with von Hippel-Lindau syndrome (Invitae). This variant is not present in population databases (ExAC no frequency). This sequence change falls in intron 2 of the VHL gene. It does not directly change the encoded amino acid sequence of the VHL protein. It affects a nucleotide within the consensus splice site of the intron.

Dr. Peter K. Rogan Lab, Western University
No classification provided (evidence only). Condition: Nonpapillary renal cell carcinoma. Review status: no classification provided. Collection method: in vitro. Allele origin: not applicable. Functional consequence: retained intron. Not counted in ClinVar's aggregate classification.

Literature cited by the submitters: PubMed 17576681 (cited by Labcorp Genetics (formerly Invitae), Labcorp); PubMed 9536098 (cited by Labcorp Genetics (formerly Invitae), Labcorp).